The following is an entry in ClinVar:

ClinVar aggregate classification (germline): Benign/Likely benign. Review status: criteria provided, multiple submitters, no conflicts (2 of 4 stars). 2 submissions from 2 submitters: Benign (1); Likely benign (1). Last evaluated 2025-04-30.

Conditions:
Hereditary cancer-predisposing syndrome. Also called: Tumor predisposition; Neoplastic Syndromes, Hereditary; Hereditary Cancer Syndrome; Hereditary neoplastic syndrome. Identifiers: Orphanet 140162, MedGen C0027672, MeSH D009386, MONDO:0015356.
Tuberous sclerosis 1 (TSC1). Identifiers: Orphanet 805, MedGen C1854465, MONDO:0008612, OMIM 191100.

Submissions (2):

Myriad Genetics, Inc.
Classification: Benign for Tuberous sclerosis 1. Last evaluated: 2025-04-30. Review status: criteria provided, single submitter. Criteria: Myriad Autosomal Dominant, Autosomal Recessive and X-Linked Classification Criteria (2023). Collection method: clinical testing. Allele origin: unknown.
Comment: This variant is considered benign. This variant is a silent/synonymous amino acid change and it is not expected to impact splicing.

Ambry Genetics
Classification: Likely benign for Hereditary cancer-predisposing syndrome. Last evaluated: 2025-03-22. Review status: criteria provided, single submitter. Criteria: Ambry Variant Classification Scheme 2023. Collection method: clinical testing. Allele origin: germline.

NM_000368.5(TSC1):c.3222C>A (p.Ile1074=)

Gene: TSC1 (TSC complex subunit 1; minus strand). Cytogenetic location: 9q34.13.
Variant type: single nucleotide variant.
Coding change: c.3222C>A on transcript NM_000368.5 (MANE Select); coding-DNA position 3222, C replaced by A.
Protein change: p.Ile1074=; no amino-acid change (isoleucine 1074 retained).
Molecular consequence: synonymous variant. On other transcripts: non-coding transcript variant (5).
Genome position (GRCh38, 1-based): chr9:132,896,508, G>T on the plus strand (C>A on the coding strand, the complement: TSC1 is on the minus strand). VCF-style: chr9-132896508-G-T. GRCh37 (hg19) VCF-style: chr9-135771895-G-T.
Other names: c.3219C>A, p.Ile1073= (NM_001162426.2, NM_001406597.1, NM_001406598.1 and 2 more transcripts); c.3069C>A, p.Ile1023= (NM_001162427.2, NM_001406610.1); c.2859C>A, p.Ile953= (NM_001362177.2, NM_001406614.1, NM_001406615.1 and 4 more transcripts); c.3222C>A, p.Ile1074= (NM_001406592.1, NM_001406593.1, NM_001406594.1 and 2 more transcripts); c.3207C>A, p.Ile1069= (NM_001406601.1, NM_001406602.1); c.3204C>A, p.Ile1068= (NM_001406603.1, NM_001406604.1); c.3180C>A, p.Ile1060= (NM_001406605.1, NM_001406606.1, NM_001406607.1); c.3177C>A, p.Ile1059= (NM_001406608.1, NM_001406609.1); and 8 more.
Identifiers: ClinVar variation 3974538 (VCV003974538.2).